The following is an entry in ClinVar:

NM_000271.5(NPC1):c.1312C>T (p.Gln438Ter)

Gene: NPC1 (NPC intracellular cholesterol transporter 1; minus strand). Cytogenetic location: 18q11.2.
Variant type: single nucleotide variant.
Coding change: c.1312C>T on transcript NM_000271.5 (MANE Select); coding-DNA position 1312, C replaced by T.
Protein change: p.Gln438Ter; replaces glutamine 438 with a stop codon.
Molecular consequence: nonsense.
Genome position (GRCh38, 1-based): chr18:23,556,257, G>A on the plus strand (C>T on the coding strand, the complement: NPC1 is on the minus strand). VCF-style: chr18-23556257-G-A. GRCh37 (hg19) VCF-style: chr18-21136221-G-A.
Other names: short protein forms Q438*.
Identifiers: ClinVar variation 666979 (VCV000666979.11), dbSNP rs750292546, ClinGen allele CA401777070.

ClinVar aggregate classification (germline): Pathogenic/Likely pathogenic. Review status: criteria provided, multiple submitters, no conflicts (2 of 4 stars). 3 submissions from 3 submitters: Pathogenic (1); Likely pathogenic (2). Last evaluated 2025-10-22.

Conditions:
NPC1-related disorder. Also called: NPC1-related condition.
Niemann-Pick disease, type C (NPC). Identifiers: Orphanet 646, MedGen C0220756, MONDO:0018982.
Niemann-Pick disease, type C1. Also called: NIEMANN-PICK DISEASE, VARIANT TYPE C1; NEUROVISCERAL STORAGE DISEASE WITH VERTICAL SUPRANUCLEAR OPHTHALMOPLEGIA; NIEMANN-PICK DISEASE WITH CHOLESTEROL ESTERIFICATION BLOCK; NIEMANN-PICK DISEASE WITHOUT SPHINGOMYELINASE DEFICIENCY; NIEMANN-PICK DISEASE, CHRONIC NEURONOPATHIC FORM. Identifiers: Orphanet 646, MedGen C3179455, MONDO:0009757, OMIM 257220.

gnomAD v4.1: 1 of 1,614,118 alleles (0.000062%); highest among the groups gnomAD compares: Admixed American, 0.0017%; no homozygotes.

Submissions (3):

Labcorp Genetics (formerly Invitae), Labcorp
Classification: Pathogenic for Niemann-Pick disease, type C1. Last evaluated: 2025-10-22. Review status: criteria provided, single submitter. Criteria: Invitae Variant Classification Sherloc (09022015). Collection method: clinical testing. Allele origin: germline.
Comment: This sequence change creates a premature translational stop signal (p.Gln438*) in the NPC1 gene. It is expected to result in an absent or disrupted protein product. Loss-of-function variants in NPC1 are known to be pathogenic (PMID: 9211850). This variant is present in population databases (no rsID available, gnomAD 0.003%). This variant has not been reported in the literature in individuals affected with NPC1-related conditions. ClinVar contains an entry for this variant (Variation ID: 666979). For these reasons, this variant has been classified as Pathogenic.

PreventionGenetics, part of Exact Sciences
Classification: Likely pathogenic for NPC1-related condition. Last evaluated: 2025-02-19. Review status: criteria provided, single submitter. Criteria: ACMG Guidelines, 2015. Collection method: clinical testing. Allele origin: germline.
Comment: The NPC1 c.1312C>T variant is predicted to result in premature protein termination (p.Gln438*). To our knowledge this variant has not been reported in the literature. This variant is reported in 0.0029% of alleles in individuals of Latino descent in gnomAD. Nonsense variants in NPC1 are expected to be pathogenic. This variant is interpreted as likely pathogenic.

Laboratory for Molecular Medicine, Mass General Brigham Personalized Medicine
Classification: Likely pathogenic for Niemann-Pick disease, type C. Last evaluated: 2019-02-11. Review status: criteria provided, single submitter. Criteria: LMM Criteria. Collection method: clinical testing. Allele origin: germline. Inheritance: Autosomal recessive inheritance. Observed: 1 variant allele.
Comment: The p.Gln438X variant in NPC1 has not been previously reported in individuals with Niemann-Pick disease type C, but has been identified in 0.003% (1/34590) of Latino chromosomes by gnomAD. However, this frequency is low enough to be consistent with a recessive carrier frequency. This nonsense variant leads to a premature termination codon at position 438, which is predicted to lead to a truncated or absent protein. Loss of function of the NPC1 gene is an established disease mechanism in Niemann-Pick disease type C. In summary, although additional studies are required to fully establish its clinical significance, this variant meets criteria to be classified as likely pathogenic for autosomal recessive Niemann-Pick disease type C. ACMG/AMP Criteria applied: PVS1, PM2.

Literature cited by the submitters: PubMed 9211850 (cited by Labcorp Genetics (formerly Invitae), Labcorp).